The following is an entry in ClinVar:

NM_001009944.3(PKD1):c.3764del (p.Gly1255fs)

Gene: PKD1 (polycystin 1, transient receptor potential channel interacting; minus strand). Cytogenetic location: 16p13.3.
Variant type: Deletion.
Coding change: c.3764del on transcript NM_001009944.3 (MANE Select); coding-DNA position 3764, one base deleted (G; older notation c.3764delG).
Protein change: p.Gly1255fs; shifts the reading frame from glycine 1255.
Molecular consequence: frameshift variant.
Genome position (GRCh38, 1-based): chr16:2,111,403, C deleted on the plus strand (G on the coding strand, the reverse complement: PKD1 is on the minus strand); the first of 3 consecutive C bases (chr16:2,111,403-2,111,405); deleting any one gives the same sequence. VCF-style (leftmost placement, unchanged base first): chr16-2111402-GC-G. GRCh37 (hg19) VCF-style: chr16-2161403-GC-G.
Other names: c.3764del, p.Gly1255fs (NM_000296.4); short protein forms G1255fs.
Identifiers: ClinVar variation 3066202 (VCV003066202.1), dbSNP rs2544827974, ClinGen allele CA2740098073.

ClinVar aggregate classification (germline): Pathogenic (1 of 4 stars; one submission).

Conditions:
Polycystic kidney disease, adult type (PKD1). Also called: Polycystic Kidney, Autosomal Dominant; POLYCYSTIC KIDNEY DISEASE 1 WITH OR WITHOUT POLYCYSTIC LIVER DISEASE; Polycystic Kidney Disease 1, Autosomal Dominant; Polycystic kidney disease 1; Polycystic kidney disease 1, severe; POLYCYSTIC KIDNEY DISEASE, ADULT, TYPE I. Identifiers: MedGen C3149841, MONDO:0008263, OMIM 173900.

Submission:

MVZ Medizinische Genetik Mainz
Classification: Pathogenic for Polycystic kidney disease, adult type. Last evaluated: 2024-02-16. Review status: criteria provided, single submitter. Criteria: UK Practice Guidelines For Variant Classification V4 01 2020. Collection method: clinical testing. Allele origin: germline. Inheritance: Autosomal dominant inheritance. Affected: yes. Observed: 1 variant allele.
Comment: ACMG Criteria: PVS1,PM2_SUP,PP4